The following is an entry in ClinVar:

ClinVar aggregate classification (germline): Pathogenic (1 of 4 stars; one submission).

Conditions:
Hereditary cancer-predisposing syndrome. Also called: Neoplastic Syndromes, Hereditary; Tumor predisposition; Hereditary Cancer Syndrome; Hereditary neoplastic syndrome. Identifiers: Orphanet 140162, MedGen C0027672, MeSH D009386, MONDO:0015356.

Submission:

Ambry Genetics
Classification: Pathogenic for Hereditary cancer-predisposing syndrome. Last evaluated: 2025-10-22. Review status: criteria provided, single submitter. Criteria: Ambry Variant Classification Scheme 2023. Collection method: clinical testing. Allele origin: germline.
Comment: The c.3814dupA pathogenic mutation, located in coding exon 10 of the BRCA2 gene, results from a duplication of A at nucleotide position 3814, causing a translational frameshift with a predicted alternate stop codon (p.M1272Nfs*3). This alteration is expected to result in loss of function by premature protein truncation or nonsense-mediated mRNA decay. As such, this alteration is interpreted as a disease-causing mutation.

NM_000059.4(BRCA2):c.3814dup (p.Met1272fs)

Gene: BRCA2 (BRCA2 DNA repair associated; plus strand). Cytogenetic location: 13q13.1.
Variant type: Duplication.
Coding change: c.3814dup on transcript NM_000059.4 (MANE Select); coding-DNA position 3814, one base duplicated (A; older notation c.3814dupA).
Protein change: p.Met1272fs; shifts the reading frame from methionine 1272.
Molecular consequence: frameshift variant. On other transcripts: non-coding transcript variant (1), intron variant (2).
Genome position (GRCh38, 1-based): chr13:32,338,169, A duplicated; the last of 2 consecutive A bases (chr13:32,338,168-32,338,169); duplicating either gives the same sequence. VCF-style (leftmost placement, unchanged base first): chr13-32338167-C-CA. GRCh37 (hg19) VCF-style: chr13-32912304-C-CA.
Other names: c.3814dup, p.Met1272fs (NM_001406719.1, NM_001406720.1, NM_001432077.1); c.1909+4782dup (NM_001406721.1); c.425-6389dup (NM_001406722.1); c.3814dupA (NM_000059.3); short protein forms M1272fs.
Identifiers: ClinVar variation 4628824 (VCV004628824.1).
Genomic context (GRCh38, chr13:32,338,167, plus strand): 5'-CTTCTGCAGAGGTACATCCAATAAGTTTATCTTCAAGTAAATGTCATGATTCTGTTGTTT[C>CA]AATGTTTAAGATAGAAAATCATAATGATAAAACTGTAAGTGAAAAAAATAATAAATGCCA-3'